The following is an entry in ClinVar:

ClinVar aggregate classification (germline): Likely pathogenic (1 of 4 stars; one submission).

Conditions:
Pyridoxine-dependent epilepsy (EPEO4). Also called: Pyridoxine-Dependent Seizures; Pyridoxine-Dependent Epilepsy - ALDH7A1; PYRIDOXINE DEPENDENCY WITH SEIZURES; EPILEPSY, EARLY-ONSET, 4, VITAMIN B6-DEPENDENT. Identifiers: Orphanet 3006, MedGen C1849508, MONDO:0009945, OMIM 266100. Disease mechanism: loss of function.

Submission:

Labcorp Genetics (formerly Invitae), Labcorp
Classification: Likely pathogenic for Pyridoxine-dependent epilepsy. Last evaluated: 2020-11-15. Review status: criteria provided, single submitter. Criteria: Invitae Variant Classification Sherloc (09022015). Collection method: clinical testing. Allele origin: germline.
Comment: In summary, the currently available evidence indicates that the variant is pathogenic, but additional data are needed to prove that conclusively. Therefore, this variant has been classified as Likely Pathogenic. This variant disrupts the p.Tyr516 amino acid residue in ALDH7A1. Other variant(s) that disrupt this residue have been determined to be pathogenic (PMID: 29852413, 31737911, 31965297). This suggests that this residue is clinically significant, and that variants that disrupt this residue are likely to be disease-causing. A similar copy number variant has been observed in individual(s) with pyridoxine-dependent epilepsy (PMID: 24184718). This variant is a gross deletion of the genomic region encompassing exon(s) 17-18 of the ALDH7A1 gene. The 5' boundary is likely confined to intron 16. The 3' end of this event is unknown as it extends through the termination codon beyond the assayed region for this gene and may encompass additional genes. While this deletion is not anticipated to lead to nonsense mediated decay, it is expected to alter mRNA translation or result in a truncated protein product.

Literature cited by the submitters: PubMed 29852413; PubMed 31737911; PubMed 31965297; PubMed 24184718.

NC_000005.9:g.(?_125880657)_(125882101_?)del

Gene: ALDH7A1 (aldehyde dehydrogenase 7 family member A1; minus strand). Cytogenetic location: 5q23.2.
Variant type: Deletion.
Identifiers: ClinVar variation 1504139 (VCV001504139.7).